The following is an entry in ClinVar:

NM_001271.4(CHD2):c.1934C>A (p.Thr645Lys)

Gene: CHD2 (chromodomain helicase DNA binding protein 2; plus strand). Cytogenetic location: 15q26.1.
Variant type: single nucleotide variant.
Coding change: c.1934C>A on transcript NM_001271.4 (MANE Select); coding-DNA position 1934, C replaced by A.
Protein change: p.Thr645Lys; replaces threonine 645 with lysine.
Molecular consequence: missense variant.
Genome position (GRCh38, 1-based): chr15:92,956,583, C>A. VCF-style: chr15-92956583-C-A. GRCh37 (hg19) VCF-style: chr15-93499813-C-A.
Other names: short protein forms T645K.
Identifiers: ClinVar variation 984745 (VCV000984745.2), dbSNP rs2053619460, ClinGen allele CA393906474.

ClinVar aggregate classification (germline): Likely pathogenic (1 of 4 stars; one submission).

Conditions:
Developmental and epileptic encephalopathy 94 (DEE94). Also called: Epileptic encephalopathy, childhood-onset; CHD2-Related Neurodevelopmental Disorders. Identifiers: Orphanet 1942, Orphanet 2382, MedGen C3809278, MONDO:0014150, OMIM 615369.

Submission:

Pediatrics, MediClubGeorgia
Classification: Likely pathogenic for Developmental and epileptic encephalopathy 94. Review status: criteria provided, single submitter. Criteria: ACMG Guidelines, 2015. Collection method: clinical testing. Allele origin: de novo. Inheritance: Autosomal dominant inheritance. Affected: yes. Observed: 1 heterozygote.
Comment: This variant is absent in population databases and in clinvar. This variant has no existing interpretations. Parents were also tested and this variant was not detected. Algorithms developed to predict the effect of missense variants showed: Sift- Deleterious, PolyPhen2-HDIV- probably damaging, PolyPhen2-HVAR- probably damaging, MutationAssessor- High, MutationTaster- Disease causing, Provean - Damaging, Conservation - High.